The following is an entry in ClinVar:

ClinVar aggregate classification (germline): Uncertain significance. Review status: criteria provided, multiple submitters, no conflicts (2 of 4 stars). 2 submissions from 2 submitters: Uncertain significance (2). Last evaluated 2024-03-21.

Conditions:
Capillary malformation-arteriovenous malformation syndrome. Also called: Capillary malformation-arteriovenous malformation. Identifiers: Orphanet 137667, MedGen C1842180, MONDO:0012016.

Allele frequency attached by ClinVar (database versions not stated): gnomAD 0.00002; gnomAD exomes 0.00001; TOPMed 0.00001; ExAC 0.00001.
gnomAD v4.1: 6 of 1,613,942 alleles (0.00037%); highest among the groups gnomAD compares: Admixed American, 0.0083%; no homozygotes.

Submissions (2):

Labcorp Genetics (formerly Invitae), Labcorp
Classification: Uncertain significance for Capillary malformation-arteriovenous malformation syndrome. Last evaluated: 2024-03-21. Review status: criteria provided, single submitter. Criteria: Invitae Variant Classification Sherloc (09022015). Collection method: clinical testing. Allele origin: germline.
Comment: This sequence change replaces serine, which is neutral and polar, with glycine, which is neutral and non-polar, at codon 693 of the RASA1 protein (p.Ser693Gly). This variant is present in population databases (rs749936964, gnomAD 0.006%). This variant has not been reported in the literature in individuals affected with RASA1-related conditions. ClinVar contains an entry for this variant (Variation ID: 2073204). An algorithm developed to predict the effect of missense changes on protein structure and function (PolyPhen-2) suggests that this variant is likely to be disruptive. In summary, the available evidence is currently insufficient to determine the role of this variant in disease. Therefore, it has been classified as a Variant of Uncertain Significance.

GeneDx
Classification: Uncertain significance. Last evaluated: 2024-02-28. Review status: criteria provided, single submitter. Criteria: GeneDx Variant Classification Process June 2021. Collection method: clinical testing. Allele origin: germline. Affected: yes.
Comment: Not observed at significant frequency in large population cohorts (gnomAD); In silico analysis supports that this missense variant does not alter protein structure/function; Has not been previously published as pathogenic or benign to our knowledge

NM_002890.3(RASA1):c.2077A>G (p.Ser693Gly)

Genes: CCNH (cyclin H; minus strand), RASA1 (RAS p21 protein activator 1; plus strand). Cytogenetic location: 5q14.3.
Variant type: single nucleotide variant.
Coding change: c.2077A>G on transcript NM_002890.3 (MANE Select); coding-DNA position 2077, A replaced by G.
Protein change: p.Ser693Gly; replaces serine 693 with glycine.
Molecular consequence: missense variant. On other transcripts: intron variant (1).
Genome position (GRCh38, 1-based): chr5:87,376,458, A>G. VCF-style: chr5-87376458-A-G. GRCh37 (hg19) VCF-style: chr5-86672275-A-G.
Other names: c.1546A>G, p.Ser516Gly (NM_022650.3); c.933+18586T>C (NM_001364075.2); short protein forms S516G, S693G.
Identifiers: ClinVar variation 2073204 (VCV002073204.4), dbSNP rs749936964, ClinGen allele CA3335918.